The following is an entry in ClinVar:

NM_007194.4(CHEK2):c.555C>G (p.Asn185Lys)

Gene: CHEK2 (checkpoint kinase 2; minus strand). Cytogenetic location: 22q12.1.
Variant type: single nucleotide variant.
Coding change: c.555C>G on transcript NM_007194.4 (MANE Select); coding-DNA position 555, C replaced by G.
Protein change: p.Asn185Lys; replaces asparagine 185 with lysine.
Molecular consequence: missense variant. On other transcripts: 5 prime UTR variant (2), intron variant (1).
Genome position (GRCh38, 1-based): chr22:28,725,014, G>C on the plus strand (C>G on the coding strand, the complement: CHEK2 is on the minus strand). VCF-style: chr22-28725014-G-C. GRCh37 (hg19) VCF-style: chr22-29121002-G-C.
Other names: c.684C>G, p.Asn228Lys (NM_001005735.3, NM_001438294.1); c.-223C>G (NM_001257387.3); c.-109C>G (NM_001437942.1); c.648C>G, p.Asn216Lys (NM_001438293.1, NM_001438295.1); c.555C>G, p.Asn185Lys (NM_145862.3); c.445-91C>G (NM_001349956.3); short protein forms N185K, N228K, N216K.
Identifiers: ClinVar variation 479555 (VCV000479555.13), dbSNP rs780782542, ClinGen allele CA10167983.

ClinVar aggregate classification (germline): Uncertain significance. Review status: criteria provided, multiple submitters, no conflicts (2 of 4 stars). 2 submissions from 2 submitters: Uncertain significance (2). Last evaluated 2025-08-03.

Conditions:
Familial cancer of breast. Also called: BREAST CANCER, FAMILIAL; Hereditary breast cancer; hereditary breast carcinoma. Identifiers: Orphanet 227535, MedGen C0346153, MONDO:0016419, OMIM 114480. Disease mechanism: loss of function.
Hereditary cancer-predisposing syndrome. Also called: Hereditary Cancer Syndrome; Neoplastic Syndromes, Hereditary; Tumor predisposition; Hereditary neoplastic syndrome. Identifiers: Orphanet 140162, MedGen C0027672, MeSH D009386, MONDO:0015356.

Allele frequency attached by ClinVar (database versions not stated): gnomAD exomes below 0.00001; ExAC 0.00001.
gnomAD v4.1: 1 of 1,613,830 alleles (0.000062%); highest among the groups gnomAD compares: Non-Finnish European, 0.000085%; no homozygotes.

Submissions (2):

Labcorp Genetics (formerly Invitae), Labcorp
Classification: Uncertain significance for Familial cancer of breast. Last evaluated: 2025-08-03. Review status: criteria provided, single submitter. Criteria: Invitae Variant Classification Sherloc (09022015). Collection method: clinical testing. Allele origin: germline.
Comment: This sequence change replaces asparagine, which is neutral and polar, with lysine, which is basic and polar, at codon 185 of the CHEK2 protein (p.Asn185Lys). This variant is present in population databases (rs780782542, gnomAD 0.006%). This variant has not been reported in the literature in individuals affected with CHEK2-related conditions. ClinVar contains an entry for this variant (Variation ID: 479555). An algorithm developed to predict the effect of missense changes on protein structure and function (PolyPhen-2) suggests that this variant is likely to be disruptive. In summary, the available evidence is currently insufficient to determine the role of this variant in disease. Therefore, it has been classified as a Variant of Uncertain Significance.

Ambry Genetics
Classification: Uncertain significance for Hereditary cancer-predisposing syndrome. Last evaluated: 2022-09-01. Review status: criteria provided, single submitter. Criteria: Ambry Variant Classification Scheme 2023. Collection method: clinical testing. Allele origin: germline.
Comment: The p.N185K variant (also known as c.555C>G), located in coding exon 3 of the CHEK2 gene, results from a C to G substitution at nucleotide position 555. The asparagine at codon 185 is replaced by lysine, an amino acid with similar properties. This alteration behaved as semi-functional in an in vivo, yeast-based growth rate assay (Delimitsou A et al. Hum Mutat, 2019 05;40:631-648). This amino acid position is well conserved in available vertebrate species. In addition, the in silico prediction for this alteration is inconclusive. Since supporting evidence is limited at this time, the clinical significance of this alteration remains unclear.

Literature cited by the submitters: PubMed 30851065 (cited by Ambry Genetics).